The following is an entry in ClinVar:

NM_016341.4(PLCE1):c.4477C>T (p.Gln1493Ter)

Gene: PLCE1 (phospholipase C epsilon 1; plus strand). Cytogenetic location: 10q23.33.
Variant type: single nucleotide variant.
Coding change: c.4477C>T on transcript NM_016341.4 (MANE Select); coding-DNA position 4477, C replaced by T.
Protein change: p.Gln1493Ter; replaces glutamine 1493 with a stop codon.
Molecular consequence: nonsense.
Genome position (GRCh38, 1-based): chr10:94,270,573, C>T. VCF-style: chr10-94270573-C-T. GRCh37 (hg19) VCF-style: chr10-96030330-C-T.
Other names: c.3553C>T, p.Gln1185Ter (NM_001165979.2); c.4429C>T, p.Gln1477Ter (NM_001288989.2); short protein forms Q1185*, Q1477*, Q1493*.
Identifiers: ClinVar variation 1683685 (VCV001683685.2), dbSNP rs2051691492, ClinGen allele CA377648607.
Genomic context (GRCh38, chr10:94,270,573, plus strand): 5'-GCCTTCATCAACTCTGACCTGCCAATCATCATATCGATTGAGAACCACTGTTCATTGCCT[C>T]AGCAACGAAAAATGGCAGAAATTTTCAAGGTGAGCTCTCAACAAAAAGGCAGGATGGTAT-3'

ClinVar aggregate classification (germline): Pathogenic (1 of 4 stars; one submission).

Conditions:
Nephrotic syndrome, type 3 (NPHS3). Also called: NEPHROTIC SYNDROME, EARLY-ONSET, TYPE 3. Identifiers: Orphanet 656, MedGen C1853124, MONDO:0012546, OMIM 610725.

Submission:

Laboratorio de Genetica e Diagnostico Molecular, Hospital Israelita Albert Einstein
Classification: Pathogenic for Nephrotic syndrome, type 3. Last evaluated: 2021-10-26. Review status: criteria provided, single submitter. Criteria: ACMG Guidelines, 2015. Collection method: clinical testing. Allele origin: germline. Affected: yes.
Comment: ACMG classification criteria: PVS1 very strong, PM2 moderate